The following is an entry in ClinVar:

NM_001127464.1:c.2372T>A

Gene: ZNF469 (zinc finger protein 469; plus strand).
Variant type: single nucleotide variant.
Identifiers: ClinVar variation 4826337 (VCV004826337.1).

ClinVar aggregate classification (germline): Uncertain significance (1 of 4 stars; one submission).

Conditions:
Cardiovascular phenotype. Identifiers: MedGen CN230736.

Submission:

Ambry Genetics
Classification: Uncertain significance for Cardiovascular phenotype. Last evaluated: 2026-03-12. Review status: criteria provided, single submitter. Criteria: Ambry Variant Classification Scheme 2023. Collection method: clinical testing. Allele origin: germline.
Comment: The p.L791H variant (also known as c.2372T>A), located in coding exon 1 of the ZNF469 gene, results from a T to A substitution at nucleotide position 2372. The leucine at codon 791 is replaced by histidine, an amino acid with similar properties. This amino acid position is conserved. In addition, this alteration is predicted to be tolerated by in silico analysis. Based on the available evidence, the clinical significance of this variant remains unclear.